The following is an entry in ClinVar:

ClinVar aggregate classification (germline): Likely benign (0 of 4 stars; one submission).

Conditions:
ANKRD6-related disorder. Also called: ANKRD6-related condition.

gnomAD v4.1: 31 of 1,592,346 alleles (0.0019%); highest among the groups gnomAD compares: East Asian, 0.0091%; no homozygotes.

Submission:

PreventionGenetics, part of Exact Sciences
Classification: Likely benign for ANKRD6-related condition. Last evaluated: 2019-09-17. Review status: no assertion criteria provided. Collection method: clinical testing. Allele origin: germline.
Comment: This variant is classified as likely benign based on ACMG/AMP sequence variant interpretation guidelines (Richards et al. 2015 PMID: 25741868, with internal and published modifications).

NM_001242809.2(ANKRD6):c.381C>T (p.Leu127=)

Gene: ANKRD6 (ankyrin repeat domain 6; plus strand). Cytogenetic location: 6q15.
Variant type: single nucleotide variant.
Coding change: c.381C>T on transcript NM_001242809.2 (MANE Select); coding-DNA position 381, C replaced by T.
Protein change: p.Leu127=; no amino-acid change (leucine 127 retained).
Molecular consequence: synonymous variant. On other transcripts: intron variant (1).
Genome position (GRCh38, 1-based): chr6:89,606,069, C>T. VCF-style: chr6-89606069-C-T. GRCh37 (hg19) VCF-style: chr6-90315788-C-T.
Other names: c.381C>T, p.Leu127= (NM_001242811.1, NM_001242813.1, NM_014942.4); c.318+2942C>T (NM_001242814.1).
Identifiers: ClinVar variation 3355847 (VCV003355847.1).